The following is an entry in ClinVar:

NM_006904.7(PRKDC):c.2637G>A (p.Met879Ile)

Gene: PRKDC (protein kinase, DNA-activated, catalytic subunit; minus strand). Cytogenetic location: 8q11.21.
Variant type: single nucleotide variant.
Coding change: c.2637G>A on transcript NM_006904.7 (MANE Select); coding-DNA position 2637, G replaced by A.
Protein change: p.Met879Ile; replaces methionine 879 with isoleucine.
Molecular consequence: missense variant.
Genome position (GRCh38, 1-based): chr8:47,914,045, C>T on the plus strand (G>A on the coding strand, the complement: PRKDC is on the minus strand). VCF-style: chr8-47914045-C-T. GRCh37 (hg19) VCF-style: chr8-48826605-C-T.
Other names: c.2637G>A, p.Met879Ile (NM_001081640.2); short protein forms M879I.
Identifiers: ClinVar variation 3225806 (VCV003225806.1), dbSNP rs1313815011, ClinGen allele CA371159580.
Genomic context (GRCh38, chr8:47,914,045, plus strand): 5'-TCTAAAGGGCACTGCAAAGCTCAGCCGCTTCTCTCTGTCCCAGGCCACATAGCTCTTCAT[C>T]ATCTCATCTGAGGACGTGACTGTTAGAAAAGATTTAAGAAGAATGAAACACTTTTTTTCT-3'
Protein context (NP_008835.5, residues 869-889): NLLTVTSSDE[Met879Ile]MKSYVAWDRE

ClinVar aggregate classification (germline): Uncertain significance (1 of 4 stars; one submission).

Submission:

Ambry Genetics
Classification: Uncertain significance. Last evaluated: 2023-12-04. Review status: criteria provided, single submitter. Criteria: Ambry Variant Classification Scheme 2023. Collection method: clinical testing. Allele origin: germline.
Comment: The p.M879I variant (also known as c.2637G>A), located in coding exon 24 of the PRKDC gene, results from a G to A substitution at nucleotide position 2637. The methionine at codon 879 is replaced by isoleucine, an amino acid with highly similar properties. This amino acid position is conserved. In addition, this alteration is predicted to be tolerated by in silico analysis. Since supporting evidence is limited at this time, the clinical significance of this alteration remains unclear.